The following is an entry in ClinVar:

NM_198576.4(AGRN):c.4879+3C>T

Gene: AGRN (agrin; plus strand). Cytogenetic location: 1p36.33.
Variant type: single nucleotide variant.
Coding change: c.4879+3C>T on transcript NM_198576.4 (MANE Select); 3 bases into the intron after coding-DNA position 4879, C replaced by T.
Molecular consequence: intron variant.
Genome position (GRCh38, 1-based): chr1:1,050,040, C>T. VCF-style: chr1-1050040-C-T. GRCh37 (hg19) VCF-style: chr1-985420-C-T.
Other names: c.4879+3C>T (NM_001305275.2); c.4564+3C>T (NM_001364727.2).
Identifiers: ClinVar variation 1972516 (VCV001972516.2), dbSNP rs777359126, ClinGen allele CA509669.

ClinVar aggregate classification (germline): Uncertain significance (1 of 4 stars; one submission).

Conditions:
Congenital myasthenic syndrome 8. Also called: Myasthenic syndrome, congenital, 8, with pre- and postsynaptic defects; MYASTHENIC SYNDROME, CONGENITAL, DUE TO AGRIN DEFICIENCY. Identifiers: Orphanet 590, MedGen C3808739, MONDO:0014052, OMIM 615120.

Allele frequency attached by ClinVar (database versions not stated): TOPMed below 0.00001; gnomAD 0.00002; ExAC 0.00005.
gnomAD v4.1: 87 of 633,432 alleles (0.014%); highest among the groups gnomAD compares: Non-Finnish European, 0.021%; no homozygotes.

Submission:

Labcorp Genetics (formerly Invitae), Labcorp
Classification: Uncertain significance for Congenital myasthenic syndrome 8. Last evaluated: 2020-12-01. Review status: criteria provided, single submitter. Criteria: Invitae Variant Classification Sherloc (09022015). Collection method: clinical testing. Allele origin: germline.
Comment: This sequence change falls in intron 27 of the AGRN gene. It does not directly change the encoded amino acid sequence of the AGRN protein. It affects a nucleotide within the consensus splice site of the intron. This variant is present in population databases (rs777359126, ExAC 0.04%). This variant has not been reported in the literature in individuals with AGRN-related conditions. Nucleotide substitutions within the consensus splice site are a relatively common cause of aberrant splicing (PMID: 17576681, 9536098). Algorithms developed to predict the effect of sequence changes on RNA splicing suggest that this variant is not likely to affect RNA splicing, but this prediction has not been confirmed by published transcriptional studies. In summary, the available evidence is currently insufficient to determine the role of this variant in disease. Therefore, it has been classified as a Variant of Uncertain Significance.

Literature cited by the submitters: PubMed 17576681; PubMed 9536098.